The following is an entry in ClinVar:

NM_006412.4(AGPAT2):c.492+4_492+7del

Gene: AGPAT2 (1-acylglycerol-3-phosphate O-acyltransferase 2; minus strand). Cytogenetic location: 9q34.3.
Variant type: Deletion.
Coding change: c.492+4_492+7del on transcript NM_006412.4 (MANE Select); bases 4 to 7 of the intron after coding-DNA position 492, 4 bases deleted (AGTG; older notation c.492+4_492+7delAGTG).
Molecular consequence: splice donor variant.
Genome position (GRCh38, 1-based): chr9:136,676,954-136,676,957, CACT deleted on the plus strand (AGTG on the coding strand, the reverse complement: AGPAT2 is on the minus strand); deleting any 4 consecutive bases within chr9:136,676,954-136,676,960 gives the same sequence; the c. name uses the placement nearest the transcript's 3' end. VCF-style (leftmost placement, unchanged base first): chr9-136676953-ACACT-A. GRCh37 (hg19) VCF-style: chr9-139571405-ACACT-A.
Other names: c.492+4_492+7del (NM_001012727.2); c.492+4_492+7delAGTG (NM_006412.3).
Identifiers: ClinVar variation 374348 (VCV000374348.3), dbSNP rs1057518715, ClinGen allele CA16043673.

ClinVar aggregate classification (germline): Conflicting classifications of pathogenicity. Review status: criteria provided, conflicting classifications (1 of 4 stars). 3 submissions from 3 submitters: Likely pathogenic (1); Uncertain significance (1). 1 of the submissions does not count toward it. Last evaluated 2025-03-18.

Conditions:
Congenital generalized lipodystrophy type 1 (CGL1). Also called: Berardinelli-Seip Congenital Lipodystrophy Type 1; BRUNZELL SYNDROME, AGPAT2-RELATED. Identifiers: Orphanet 528, Orphanet 696189, MedGen C1720862, MONDO:0012071, OMIM 608594.

Submissions (3):

3billion
Classification: Uncertain significance for Congenital generalized lipodystrophy type 1. Last evaluated: 2025-03-18. Review status: criteria provided, single submitter. Criteria: ACMG Guidelines, 2015. Collection method: clinical testing. Allele origin: germline. Affected: yes.

GeneDx
Classification: Likely pathogenic. Last evaluated: 2024-10-13. Review status: criteria provided, single submitter. Criteria: GeneDx Variant Classification Process June 2021. Collection method: clinical testing. Allele origin: germline. Affected: yes.
Comment: Not observed at significant frequency in large population cohorts (gnomAD); In silico analysis supports a deleterious effect on splicing; This variant is associated with the following publications: (PMID: 27959697)

Baylor Genetics
Classification: Uncertain significance for Congenital generalized lipodystrophy type 1. Last evaluated: 2016-05-01. Review status: no assertion criteria provided. Collection method: clinical testing. Allele origin: maternal, germline. Inheritance: Autosomal recessive inheritance. Affected: yes. Not counted in ClinVar's aggregate classification.